The following is an entry in ClinVar:

ClinVar aggregate classification (germline): Uncertain significance. Review status: criteria provided, multiple submitters, no conflicts (2 of 4 stars). 6 submissions from 6 submitters: Uncertain significance (6). Last evaluated 2026-01-13.

Conditions:
Hereditary cancer-predisposing syndrome. Also called: Tumor predisposition; Hereditary Cancer Syndrome; Hereditary neoplastic syndrome; Neoplastic Syndromes, Hereditary. Identifiers: Orphanet 140162, MedGen C0027672, MeSH D009386, MONDO:0015356.
Hereditary nonpolyposis colorectal neoplasms. Identifiers: MedGen C0009405, MeSH D003123.
Lynch syndrome 4 (LYNCH4). Also called: Colorectal cancer, hereditary nonpolyposis, type 4; Hereditary non-polyposis colorectal cancer, type 4. Identifiers: Orphanet 144, MedGen C1838333, MONDO:0013699, OMIM 614337. Disease mechanism: loss of function.

Allele frequency attached by ClinVar (database versions not stated): gnomAD exomes below 0.00001; TOPMed 0.00001; gnomAD 0.00002.
gnomAD v4.1: 4 of 1,610,076 alleles (0.00025%); highest among the groups gnomAD compares: Non-Finnish European, 0.00034%; no homozygotes.

Submissions (6):

Labcorp Genetics (formerly Invitae), Labcorp
Classification: Uncertain significance for Hereditary nonpolyposis colorectal neoplasms. Last evaluated: 2026-01-13. Review status: criteria provided, single submitter. Criteria: Invitae Variant Classification Sherloc (09022015). Collection method: clinical testing. Allele origin: germline.
Comment: This sequence change replaces lysine, which is basic and polar, with glutamic acid, which is acidic and polar, at codon 301 of the PMS2 protein (p.Lys301Glu). This variant is present in population databases (rs757409701, gnomAD 0.0009%). This variant has not been reported in the literature in individuals affected with PMS2-related conditions. ClinVar contains an entry for this variant (Variation ID: 411038). Invitae Evidence Modeling incorporating data from in vitro experimental studies (internal data) indicates that this missense variant is not expected to disrupt PMS2 function with a negative predictive value of 95%. In summary, the available evidence is currently insufficient to determine the role of this variant in disease. Therefore, it has been classified as a Variant of Uncertain Significance.

Color Diagnostics, LLC DBA Color Health
Classification: Uncertain significance for Hereditary cancer-predisposing syndrome. Last evaluated: 2025-06-25. Review status: criteria provided, single submitter. Criteria: ACMG Guidelines, 2015. Collection method: clinical testing. Allele origin: germline.
Comment: This missense variant replaces lysine with glutamic acid at codon 301 of the PMS2 protein. Computational prediction suggests that this variant may have deleterious impact on protein structure and function. To our knowledge, functional studies have not been reported for this variant. This variant has not been reported in individuals affected with PMS2-related disorders in the literature. This variant has been identified in 1/251258 chromosomes in the general population by the Genome Aggregation Database (gnomAD). The available evidence is insufficient to determine the role of this variant in disease conclusively. Therefore, this variant is classified as a Variant of Uncertain Significance.

Ambry Genetics
Classification: Uncertain significance for Hereditary cancer-predisposing syndrome. Last evaluated: 2025-02-14. Review status: criteria provided, single submitter. Criteria: Ambry Variant Classification Scheme 2023. Collection method: clinical testing. Allele origin: germline.
Comment: The p.K301E variant (also known as c.901A>G), located in coding exon 8 of the PMS2 gene, results from an A to G substitution at nucleotide position 901. The lysine at codon 301 is replaced by glutamic acid, an amino acid with similar properties. This amino acid position is highly conserved in available vertebrate species. In addition, this alteration is predicted to be deleterious by in silico analysis. Since supporting evidence is limited at this time, the clinical significance of this alteration remains unclear.

Quest Diagnostics Nichols Institute San Juan Capistrano
Classification: Uncertain significance. Last evaluated: 2024-04-30. Review status: criteria provided, single submitter. Criteria: Quest Diagnostics criteria. Collection method: clinical testing. Allele origin: unknown.
Comment: The PMS2 c.901A>G (p.Lys301Glu) variant has not been reported in individuals with PMS2-related conditions in the published literature. The frequency of this variant in the general population, 0.000004 (1/251258 chromosomes (Genome Aggregation Database)), is uninformative in the assessment of its pathogenicity. Analysis of this variant using bioinformatics tools for the prediction of the effect of amino acid changes on protein structure and function yielded predictions that this variant is damaging. Based on the available information, we are unable to determine the clinical significance of this variant.

Baylor Genetics
Classification: Uncertain significance for Lynch syndrome 4. Last evaluated: 2023-06-30. Review status: criteria provided, single submitter. Criteria: ACMG Guidelines, 2015. Collection method: clinical testing. Allele origin: unknown.

GeneDx
Classification: Uncertain significance. Last evaluated: 2016-10-19. Review status: criteria provided, single submitter. Criteria: GeneDx Variant Classification (06012015). Collection method: clinical testing. Allele origin: germline. Affected: yes.
Comment: This variant is denoted PMS2 c.901A>G at the cDNA level, p.Lys301Glu (K301E) at the protein level, and results in the change of a Lysine to a Glutamic Acid (AAG>GAG). This variant has not, to our knowledge, been published in the literature as pathogenic or benign. PMS2 Lys301Glu was not observed in approximately 6,500 individuals of European and African American ancestry in the NHLBI Exome Sequencing Project, suggesting it is not a common benign variant in these populations. Since Lysine and Glutamic Acid differ in polarity, charge, size or other properties, this is considered a non-conservative amino acid substitution. PMS2 Lys301Glu occurs at a position that is conserved across species and is located in the ATPase domain (Guarne 2001). In silico analyses predict that this variant is probably damaging to protein structure and function. Based on currently available evidence, it is unclear whether PMS2 Lys301Glu is a pathogenic or benign variant. We consider it to be a variant of uncertain significance.

NM_000535.7(PMS2):c.901A>G (p.Lys301Glu)

Gene: PMS2 (PMS1 homolog 2, mismatch repair system component; minus strand). Cytogenetic location: 7p22.1.
Variant type: single nucleotide variant.
Coding change: c.901A>G on transcript NM_000535.7 (MANE Select); coding-DNA position 901, A replaced by G.
Protein change: p.Lys301Glu; replaces lysine 301 with glutamic acid.
Molecular consequence: missense variant. On other transcripts: 5 prime UTR variant (2), non-coding transcript variant (1).
Genome position (GRCh38, 1-based): chr7:5,995,536, T>C on the plus strand (A>G on the coding strand, the complement: PMS2 is on the minus strand). VCF-style: chr7-5995536-T-C. GRCh37 (hg19) VCF-style: chr7-6035167-T-C.
Other names: c.-33A>G (NM_001322012.2, NM_001322011.2); c.328A>G, p.Lys110Glu (NM_001322013.2); c.901A>G, p.Lys301Glu (NM_001322014.2, NM_001322006.2); c.592A>G, p.Lys198Glu (NM_001322015.2); c.496A>G, p.Lys166Glu (NM_001322003.2, NM_001322004.2, NM_001322005.2 and 2 more transcripts); c.583A>G, p.Lys195Glu (NM_001322007.2, NM_001322008.2); short protein forms K301E, K110E, K166E, K198E, K195E.
Identifiers: ClinVar variation 411038 (VCV000411038.19), dbSNP rs757409701, ClinGen allele CA052206.
Genomic context (GRCh38, chr7:5,995,536, plus strand): 5'-TTATCAATTAAAAGTCAAAGGCATAAAGAACAAACTAACACAAAAAAATTTTAAATACCT[T>C]TGCTGGGTCACAAGGCCGCCGGTTGATAAAGAAAAACTGTCTGTCTGTTGAACTCCTTCC-3'
Protein context (NP_000526.2, residues 291-311): FINRRPCDPA[Lys301Glu]VCRLVNEVYH